The following is an entry in ClinVar:

ClinVar aggregate classification (germline): Uncertain significance. Review status: criteria provided, multiple submitters, no conflicts (2 of 4 stars). 2 submissions from 2 submitters: Uncertain significance (2). Last evaluated 2025-02-13.

Conditions:
Inborn genetic diseases. Identifiers: MedGen C0950123, MeSH D030342.

Allele frequency attached by ClinVar (database versions not stated): gnomAD 0.00001.
gnomAD v4.1: 1 of 1,614,016 alleles (0.000062%); highest among the groups gnomAD compares: African/African-American, 0.0013%; no homozygotes.

Submissions (2):

Ambry Genetics
Classification: Uncertain significance for Inborn genetic diseases. Last evaluated: 2025-02-13. Review status: criteria provided, single submitter. Criteria: Ambry Variant Classification Scheme 2023. Collection method: clinical testing. Allele origin: germline.

GeneDx
Classification: Uncertain significance. Last evaluated: 2019-08-02. Review status: criteria provided, single submitter. Criteria: GeneDx Variant Classification Process June 2021. Collection method: clinical testing. Allele origin: germline. Affected: yes.
Comment: Not observed at a significant frequency in large population cohorts (Lek et al., 2016); In silico analysis, which includes protein predictors and evolutionary conservation, supports a deleterious effect; Has not been previously published as pathogenic or benign to our knowledge

NM_000391.4(TPP1):c.80A>G (p.Gln27Arg)

Gene: TPP1 (tripeptidyl peptidase 1; minus strand). Cytogenetic location: 11p15.4.
Variant type: single nucleotide variant.
Coding change: c.80A>G on transcript NM_000391.4 (MANE Select); coding-DNA position 80, A replaced by G.
Protein change: p.Gln27Arg; replaces glutamine 27 with arginine.
Molecular consequence: missense variant.
Genome position (GRCh38, 1-based): chr11:6,619,205, T>C on the plus strand (A>G on the coding strand, the complement: TPP1 is on the minus strand). VCF-style: chr11-6619205-T-C. GRCh37 (hg19) VCF-style: chr11-6640436-T-C.
Other names: short protein forms Q27R.
Identifiers: ClinVar variation 1304837 (VCV001304837.3), dbSNP rs1271784840, ClinGen allele CA379476949.